The following is an entry in ClinVar:

NM_152564.5(VPS13B):c.10444A>G (p.Ile3482Val)

Gene: VPS13B (vacuolar protein sorting 13 homolog B; plus strand). Cytogenetic location: 8q22.2.
Variant type: single nucleotide variant.
Coding change: c.10444A>G on transcript NM_152564.5 (MANE Select); coding-DNA position 10444, A replaced by G.
Protein change: p.Ile3482Val; replaces isoleucine 3482 with valine.
Molecular consequence: missense variant.
Genome position (GRCh38, 1-based): chr8:99,853,833, A>G. VCF-style: chr8-99853833-A-G. GRCh37 (hg19) VCF-style: chr8-100866061-A-G.
Other names: c.10519A>G, p.Ile3507Val (NM_017890.5); short protein forms I3482V, I3507V.
Identifiers: ClinVar variation 1062184 (VCV001062184.9), dbSNP rs1196019519, ClinGen allele CA371783044.
Genomic context (GRCh38, chr8:99,853,833, plus strand): 5'-CTCCTCATATCCAACAAAGAGTTGGAAGAATACAAGGAAAAATGTTTTATCAAACTTTGC[A>G]TCACCTTAAATGAAGGCAAGAGCATCCTCTGTGATATTAATGAGTTCAGCTTTGAATTAA-3'
Protein context (NP_689777.3, residues 3472-3492): YKEKCFIKLC[Ile3482Val]TLNEGKSILC

ClinVar aggregate classification (germline): Uncertain significance. Review status: criteria provided, single submitter (1 of 4 stars). 2 submissions from 2 submitters: Uncertain significance (1). 1 of the submissions does not count toward it. Last evaluated 2022-02-02.

Conditions:
Cohen syndrome (COH1). Also called: PEPPER SYNDROME; Cutis verticis gyrata, retinitis pigmentosa, and sensorineural deafness. Identifiers: Orphanet 193, MedGen C0265223, MONDO:0008999, OMIM 216550.

Allele frequency attached by ClinVar (database versions not stated): gnomAD exomes below 0.00001 and 0.00001; TOPMed 0.00001.
gnomAD v4.1: 6 of 1,614,276 alleles (0.00037%); highest among the groups gnomAD compares: Non-Finnish European, 0.00051%; no homozygotes.

Submissions (2):

Labcorp Genetics (formerly Invitae), Labcorp
Classification: Uncertain significance for Cohen syndrome. Last evaluated: 2022-02-02. Review status: criteria provided, single submitter. Criteria: Invitae Variant Classification Sherloc (09022015). Collection method: clinical testing. Allele origin: germline.
Comment: This sequence change replaces isoleucine, which is neutral and non-polar, with valine, which is neutral and non-polar, at codon 3507 of the VPS13B protein (p.Ile3507Val). This variant is present in population databases (no rsID available, gnomAD 0.002%). This variant has not been reported in the literature in individuals affected with VPS13B-related conditions. ClinVar contains an entry for this variant (Variation ID: 1062184). Algorithms developed to predict the effect of missense changes on protein structure and function output the following: SIFT: "Not Available"; PolyPhen-2: "Benign"; Align-GVGD: "Not Available". The valine amino acid residue is found in multiple mammalian species, which suggests that this missense change does not adversely affect protein function. In summary, the available evidence is currently insufficient to determine the role of this variant in disease. Therefore, it has been classified as a Variant of Uncertain Significance.

Natera, Inc.
Classification: Uncertain significance for Cohen syndrome. Last evaluated: 2020-08-27. Review status: no assertion criteria provided. Collection method: clinical testing. Allele origin: germline. Not counted in ClinVar's aggregate classification.